The following is an entry in ClinVar:

NM_001270.4(CHD1):c.1148A>G (p.Asp383Gly)

Gene: CHD1 (chromodomain helicase DNA binding protein 1; minus strand). Cytogenetic location: 5q15.
Variant type: single nucleotide variant.
Coding change: c.1148A>G on transcript NM_001270.4 (MANE Select); coding-DNA position 1148, A replaced by G.
Protein change: p.Asp383Gly; replaces aspartic acid 383 with glycine.
Molecular consequence: missense variant. On other transcripts: non-coding transcript variant (2).
Genome position (GRCh38, 1-based): chr5:98,898,702, T>C on the plus strand (A>G on the coding strand, the complement: CHD1 is on the minus strand). VCF-style: chr5-98898702-T-C. GRCh37 (hg19) VCF-style: chr5-98234406-T-C.
Other names: c.1148A>G, p.Asp383Gly (NM_001364113.3, NM_001376194.2); short protein forms D383G.
Identifiers: ClinVar variation 3361722 (VCV003361722.1).

ClinVar aggregate classification (germline): Uncertain significance (1 of 4 stars; one submission).

Submission:

GeneDx
Classification: Uncertain significance. Last evaluated: 2023-08-01. Review status: criteria provided, single submitter. Criteria: GeneDx Variant Classification Process June 2021. Collection method: clinical testing. Allele origin: germline. Affected: yes.
Comment: Has not been previously reported as a pathogenic or benign germline variant to our knowledge; Not observed at significant frequency in large population cohorts (gnomAD); In silico analysis supports that this missense variant has a deleterious effect on protein structure/function; This variant is associated with the following publications: (PMID: 33840689)